The following is an entry in ClinVar:

NM_015080.4(NRXN2):c.2329T>A (p.Ser777Thr)

Genes: NRXN2 (neurexin 2; minus strand), LOC126861232 (P300/CBP strongly-dependent group 1 enhancer GRCh37_chr11:64426961-64428160; plus strand). Cytogenetic location: 11q13.1.
Variant type: single nucleotide variant.
Coding change: c.2329T>A on transcript NM_015080.4 (MANE Select); coding-DNA position 2329, T replaced by A.
Protein change: p.Ser777Thr; replaces serine 777 with threonine.
Molecular consequence: missense variant.
Genome position (GRCh38, 1-based): chr11:64,660,392, A>T on the plus strand (T>A on the coding strand, the complement: NRXN2 is on the minus strand). VCF-style: chr11-64660392-A-T. GRCh37 (hg19) VCF-style: chr11-64427864-A-T.
Other names: c.2329T>A, p.Ser777Thr (NM_001376262.1); c.2308T>A, p.Ser770Thr (NM_001376263.1, NM_001376267.1); c.2284T>A, p.Ser762Thr (NM_001376265.1); c.2305T>A, p.Ser769Thr (NM_001376266.1); c.2236T>A, p.Ser746Thr (NM_138732.3); short protein forms S746T, S762T, S769T, S770T, S777T.
Identifiers: ClinVar variation 1334523 (VCV001334523.4), dbSNP rs2135485362, ClinGen allele CA381121928.

ClinVar aggregate classification (germline): Uncertain significance (1 of 4 stars; one submission).

Submission:

Greenwood Genetic Center Diagnostic Laboratories, Greenwood Genetic Center
Classification: Uncertain significance. Last evaluated: 2021-04-06. Review status: criteria provided, single submitter. Criteria: ACMG Guidelines, 2015. Collection method: clinical testing. Allele origin: germline. Affected: yes.
Comment: PM2